The following is an entry in ClinVar:

NM_001330260.2(SCN8A):c.1837A>G (p.Ser613Gly)

Gene: SCN8A (sodium voltage-gated channel alpha subunit 8; plus strand). Cytogenetic location: 12q13.13.
Variant type: single nucleotide variant.
Coding change: c.1837A>G on transcript NM_001330260.2 (MANE Select); coding-DNA position 1837, A replaced by G.
Protein change: p.Ser613Gly; replaces serine 613 with glycine.
Molecular consequence: missense variant.
Genome position (GRCh38, 1-based): chr12:51,721,747, A>G. VCF-style: chr12-51721747-A-G. GRCh37 (hg19) VCF-style: chr12-52115531-A-G.
Other names: c.1837A>G, p.Ser613Gly (NM_001177984.3, NM_001369788.1, NM_014191.4); short protein forms S613G.
Identifiers: ClinVar variation 589621 (VCV000589621.9), dbSNP rs749121003, ClinGen allele CA6571342.

ClinVar aggregate classification (germline): Uncertain significance. Review status: criteria provided, multiple submitters, no conflicts (2 of 4 stars). 2 submissions from 2 submitters: Uncertain significance (2). Last evaluated 2023-12-18.

Conditions:
Early-infantile DEE. Also called: Early infantile epileptic encephalopathy; Early infantile epileptic encephalopathy with suppression bursts; Ohtahara syndrome. Identifiers: Orphanet 1934, MedGen C0393706, MONDO:0800491.
Inborn genetic diseases. Identifiers: MedGen C0950123, MeSH D030342.

Allele frequency attached by ClinVar (database versions not stated): ExAC 0.00001; gnomAD 0.00001; gnomAD exomes 0.00001.
gnomAD v4.1: 11 of 1,609,132 alleles (0.00068%); highest among the groups gnomAD compares: African/African-American, 0.0013%; no homozygotes.

Submissions (2):

Labcorp Genetics (formerly Invitae), Labcorp
Classification: Uncertain significance for Early-infantile DEE. Last evaluated: 2023-12-18. Review status: criteria provided, single submitter. Criteria: Invitae Variant Classification Sherloc (09022015). Collection method: clinical testing. Allele origin: germline.
Comment: This sequence change replaces serine, which is neutral and polar, with glycine, which is neutral and non-polar, at codon 613 of the SCN8A protein (p.Ser613Gly). This variant is present in population databases (rs749121003, gnomAD 0.005%). This variant has not been reported in the literature in individuals affected with SCN8A-related conditions. ClinVar contains an entry for this variant (Variation ID: 589621). Advanced modeling of protein sequence and biophysical properties (such as structural, functional, and spatial information, amino acid conservation, physicochemical variation, residue mobility, and thermodynamic stability) performed at Invitae indicates that this missense variant is not expected to disrupt SCN8A protein function with a negative predictive value of 95%. In summary, the available evidence is currently insufficient to determine the role of this variant in disease. Therefore, it has been classified as a Variant of Uncertain Significance.

Ambry Genetics
Classification: Uncertain significance for Inborn genetic diseases. Last evaluated: 2022-06-13. Review status: criteria provided, single submitter. Criteria: Ambry Variant Classification Scheme 2023. Collection method: clinical testing. Allele origin: germline.
Comment: The c.1837A>G (p.S613G) alteration is located in exon 12 (coding exon 11) of the SCN8A gene. This alteration results from an A to G substitution at nucleotide position 1837, causing the serine (S) at amino acid position 613 to be replaced by a glycine (G). Based on data from gnomAD, the G allele has an overall frequency of 0.001% (3/262830) total alleles studied. The highest observed frequency was 0.005% (1/22036) of African alleles. This amino acid position is highly conserved in available vertebrate species. This alteration is predicted to be tolerated by in silico analysis. Based on insufficient or conflicting evidence, the clinical significance of this alteration remains unclear.

Literature cited by the submitters: PubMed 31887642 (cited by Ambry Genetics).